The following is an entry in ClinVar:

NM_021072.4(HCN1):c.1511G>A (p.Arg504Gln)

Gene: HCN1 (hyperpolarization activated cyclic nucleotide gated potassium channel 1; minus strand). Cytogenetic location: 5p12.
Variant type: single nucleotide variant.
Coding change: c.1511G>A on transcript NM_021072.4 (MANE Select); coding-DNA position 1511, G replaced by A.
Protein change: p.Arg504Gln; replaces arginine 504 with glutamine.
Molecular consequence: missense variant.
Genome position (GRCh38, 1-based): chr5:45,303,706, C>T on the plus strand (G>A on the coding strand, the complement: HCN1 is on the minus strand). VCF-style: chr5-45303706-C-T. GRCh37 (hg19) VCF-style: chr5-45303808-C-T.
Other names: short protein forms R504Q.
Identifiers: ClinVar variation 1417147 (VCV001417147.7), dbSNP rs2111904958, ClinGen allele CA359702559.

ClinVar aggregate classification (germline): Uncertain significance (1 of 4 stars; one submission).

Conditions:
Early-infantile DEE. Also called: Early infantile epileptic encephalopathy; Ohtahara syndrome; Early infantile epileptic encephalopathy with suppression bursts. Identifiers: Orphanet 1934, MedGen C0393706, MONDO:0800491.

Allele frequency attached by ClinVar (database versions not stated): gnomAD exomes below 0.00001.

Submission:

Labcorp Genetics (formerly Invitae), Labcorp
Classification: Uncertain significance for Early-infantile DEE. Last evaluated: 2023-12-27. Review status: criteria provided, single submitter. Criteria: Invitae Variant Classification Sherloc (09022015). Collection method: clinical testing. Allele origin: germline.
Comment: This sequence change replaces arginine, which is basic and polar, with glutamine, which is neutral and polar, at codon 504 of the HCN1 protein (p.Arg504Gln). This variant is not present in population databases (gnomAD no frequency). This missense change has been observed in individual(s) with clinical features of HCN1-related conditions (Invitae). ClinVar contains an entry for this variant (Variation ID: 1417147). Advanced modeling of protein sequence and biophysical properties (such as structural, functional, and spatial information, amino acid conservation, physicochemical variation, residue mobility, and thermodynamic stability) performed at Invitae indicates that this missense variant is not expected to disrupt HCN1 protein function with a negative predictive value of 80%. In summary, the available evidence is currently insufficient to determine the role of this variant in disease. Therefore, it has been classified as a Variant of Uncertain Significance.